The following is an entry in ClinVar:

NC_000011.10:g.47333342G>A

Gene: MYBPC3 (myosin binding protein C3; minus strand). Cytogenetic location: 11p11.2.
Variant type: single nucleotide variant.
Genome position: GRCh38 VCF-style: chr11-47333342-G-A. GRCh37 (hg19) VCF-style: chr11-47354893-G-A.
Other names: c.3191-9C>T (LRG_386t1, NM_000256.3).
Identifiers: ClinVar variation 513581 (VCV000513581.8), dbSNP rs1316069252, ClinGen allele CA599374342.

ClinVar aggregate classification (germline): Likely benign. Review status: criteria provided, multiple submitters, no conflicts (2 of 4 stars). 2 submissions from 2 submitters: Likely benign (2). Last evaluated 2025-08-25.

Conditions:
Hypertrophic cardiomyopathy. Also called: HYPERTROPHIC MYOCARDIOPATHY. Identifiers: Orphanet 217569, MedGen C0007194, MeSH D002312, MONDO:0005045, HP:0001639.

Allele frequency attached by ClinVar (database versions not stated): gnomAD exomes below 0.00001 and 0.00001.
gnomAD v4.1: 2 of 1,558,600 alleles (0.00013%); highest among the groups gnomAD compares: Middle Eastern, 0.017%; no homozygotes.

Submissions (2):

Labcorp Genetics (formerly Invitae), Labcorp
Classification: Likely benign for Hypertrophic cardiomyopathy. Last evaluated: 2025-08-25. Review status: criteria provided, single submitter. Criteria: Invitae Variant Classification Sherloc (09022015). Collection method: clinical testing. Allele origin: germline.

GeneDx
Classification: Likely benign. Last evaluated: 2017-11-27. Review status: criteria provided, single submitter. Criteria: GeneDx Variant Classification (06012015). Collection method: clinical testing. Allele origin: germline. Affected: yes.
Comment: This variant is considered likely benign or benign based on one or more of the following criteria: it is a conservative change, it occurs at a poorly conserved position in the protein, it is predicted to be benign by multiple in silico algorithms, and/or has population frequency not consistent with disease.